The following is an entry in ClinVar:

ClinVar aggregate classification (germline): Uncertain significance (1 of 4 stars; one submission).

gnomAD v4.1: 5 of 1,614,166 alleles (0.00031%); highest among the groups gnomAD compares: Non-Finnish European, 0.00042%; no homozygotes.

Submission:

Labcorp Genetics (formerly Invitae), Labcorp
Classification: Uncertain significance. Last evaluated: 2024-03-28. Review status: criteria provided, single submitter. Criteria: Invitae Variant Classification Sherloc (09022015). Collection method: clinical testing. Allele origin: germline.
Comment: This sequence change replaces isoleucine, which is neutral and non-polar, with valine, which is neutral and non-polar, at codon 52 of the TXN2 protein (p.Ile52Val). This variant is not present in population databases (gnomAD no frequency). This variant has not been reported in the literature in individuals affected with TXN2-related conditions. Algorithms developed to predict the effect of missense changes on protein structure and function output the following: SIFT: "Not Available"; PolyPhen-2: "Benign"; Align-GVGD: "Not Available". The valine amino acid residue is found in multiple mammalian species, which suggests that this missense change does not adversely affect protein function. In summary, the available evidence is currently insufficient to determine the role of this variant in disease. Therefore, it has been classified as a Variant of Uncertain Significance.

NM_012473.4(TXN2):c.154A>G (p.Ile52Val)

Gene: TXN2 (thioredoxin 2; minus strand). Cytogenetic location: 22q12.3.
Variant type: single nucleotide variant.
Coding change: c.154A>G on transcript NM_012473.4 (MANE Select); coding-DNA position 154, A replaced by G.
Protein change: p.Ile52Val; replaces isoleucine 52 with valine.
Molecular consequence: missense variant.
Genome position (GRCh38, 1-based): chr22:36,480,684, T>C on the plus strand (A>G on the coding strand, the complement: TXN2 is on the minus strand). VCF-style: chr22-36480684-T-C. GRCh37 (hg19) VCF-style: chr22-36876731-T-C.
Other names: short protein forms I52V.
Identifiers: ClinVar variation 3685227 (VCV003685227.2).